The following is an entry in ClinVar:

NM_000350.3(ABCA4):c.1222C>T (p.Arg408Ter)

Gene: ABCA4 (ATP binding cassette subfamily A member 4; minus strand). Cytogenetic location: 1p22.1.
Variant type: single nucleotide variant.
Coding change: c.1222C>T on transcript NM_000350.3 (MANE Select); coding-DNA position 1222, C replaced by T.
Protein change: p.Arg408Ter; replaces arginine 408 with a stop codon.
Molecular consequence: nonsense.
Genome position (GRCh38, 1-based): chr1:94,079,339, G>A on the plus strand (C>T on the coding strand, the complement: ABCA4 is on the minus strand). VCF-style: chr1-94079339-G-A. GRCh37 (hg19) VCF-style: chr1-94544895-G-A.
Other names: NM_000350.3(ABCA4):c.1222C>T; p.Arg408Ter; NP_000341.2:p.(Arg408Ter); c.1222C>T, p.Arg408Ter (NM_001425324.1); short protein forms R408*.
Identifiers: ClinVar variation 99035 (VCV000099035.24), dbSNP rs61748550, ClinGen allele CA179692.

ClinVar aggregate classification (germline): Pathogenic. Review status: reviewed by expert panel (3 of 4 stars). 15 submissions from 14 submitters: Pathogenic (1). 14 of the submissions do not count toward it. Last evaluated 2025-10-28.

Conditions:
ABCA4-related retinopathy. Also called: ABCA4-related retinoapthy; ABCA4 retinoapthy. Identifiers: MedGen CN322612, MONDO:0800406.
ABCA4-related disorder. Also called: ABCA4-related condition; ABCA4-related disorders. Identifiers: MedGen CN239167.
Retinal dystrophy. Also called: Inherited retinal dystrophy. Identifiers: Orphanet 71862, MedGen C0854723, MeSH D058499, MONDO:0019118, HP:0000556.
Retinitis pigmentosa (RP). Identifiers: Orphanet 791, MedGen C0035334, MeSH D012174, MONDO:0019200, OMIM 268000. Inheritance: Autosomal dominant, autosomal recessive and X linked inheritance.
Retinitis pigmentosa 19 (RP19). Also called: ABCA4-Related Retinitis Pigmentosa. Identifiers: Orphanet 791, MedGen C1866422, MONDO:0011137, OMIM 601718.
Severe early-childhood-onset retinal dystrophy (STGD1). Also called: MACULAR DYSTROPHY WITH FLECKS, TYPE 1; STGD; Stargardt disease 1; Stargardt macular dystrophy; Juvenile onset macular degeneration. Identifiers: Orphanet 364055, Orphanet 827, MedGen C1855465, MeSH D000080362, MONDO:0009549, OMIM 248200.
Stargardt disease 3. Also called: MACULAR DYSTROPHY WITH FLECKS, TYPE 3; STARGARDT-LIKE MACULAR DYSTROPHY, AUTOSOMAL DOMINANT. Identifiers: Orphanet 827, MedGen C1838644, MONDO:0010819, OMIM 600110.

Allele frequency attached by ClinVar (database versions not stated): ExAC 0.00002; gnomAD 0.00004 and 0.00003; gnomAD exomes 0.00002.
gnomAD v4.1: 27 of 1,613,972 alleles (0.0017%); highest among the groups gnomAD compares: Middle Eastern, 0.016%; no homozygotes.

Submissions 1 to 8 of 15:

ClinGen ABCA4 Variant Curation Expert Panel, Clingen
Classification: Pathogenic for ABCA4-related retinopathy. Last evaluated: 2025-10-28. Review status: reviewed by expert panel. Criteria: ClinGen ABCA4 ACMG Specifications V1.0.0. Collection method: curation. Allele origin: germline. Inheritance: Autosomal recessive inheritance.
Comment: The NM_000350.3: c.1222C>T; p.Arg408Ter variant in ABCA4 is a nonsense variant predicted to cause a premature stop codon in biologically relevant exon 9 of 50 leading to nonsense mediated decay in a gene in which loss-of-function is an established disease mechanism (PVS1). The total minor allele frequency in gnomAD v4.1.0 is 0.0000167 (27/1613972 alleles), which is lower than the ClinGen ABCA4 VCEP’s threshold for PM2_Supporting (<0.0001). This variant was reported in numerous individuals with ABCA4-related retinopathy (PMID: 140709597, 23755871, 30060493, 30771335, 32619608, 33301772, 33369172). The prevalence of the variant in affected individuals is significantly increased compared with the prevalence in controls. The odds ratio is 111.5 and the confidence interval (CI) is 34.41 to 571.57, which is above the ABCA4 VCEP threshold of ≥5, where the CI does not contain 1 (PS4; PMID: 35120629). In summary, this variant meets the criteria to be classified as pathogenic for ABCA4-related retinopathy based on the ACMG/AMP criteria applied, as specified by the ClinGen ABCA4 VCEP (Specification Version 1.0.0): PVS1, PS4, PM2_Supporting.

PreventionGenetics, part of Exact Sciences
Classification: Pathogenic for ABCA4-related condition. Last evaluated: 2026-08-13. Review status: criteria provided, single submitter. Criteria: ACMG Guidelines, 2015. Collection method: clinical testing. Allele origin: germline. Not counted in ClinVar's aggregate classification.
Comment: The ABCA4 c.1222C>T variant is predicted to result in premature protein termination (p.Arg408*). This variant has been reported many times in individuals with ABCA4-related retinal disease (see for examples: Birch et al. 2001. PubMed ID: 11846518; Riveiro-Alvarez et al. 2013. PubMed ID: 23755871; Table S1, Lin et al. 2024. PubMed ID: 38219857). This variant is present in 0.0050% of alleles in individuals of East Asian descent in gnomAD. Nonsense variants in ABCA4 are an established mechanism of disease. This variant is interpreted as pathogenic.

Labcorp Genetics (formerly Invitae), Labcorp
Classification: Pathogenic. Last evaluated: 2025-11-10. Review status: criteria provided, single submitter. Criteria: Invitae Variant Classification Sherloc (09022015). Collection method: clinical testing. Allele origin: germline. Not counted in ClinVar's aggregate classification.
Comment: This sequence change creates a premature translational stop signal (p.Arg408*) in the ABCA4 gene. It is expected to result in an absent or disrupted protein product. Loss-of-function variants in ABCA4 are known to be pathogenic (PMID: 10958761, 24938718, 25312043, 26780318). This variant is present in population databases (rs61748550, gnomAD 0.01%). This premature translational stop signal has been observed in individual(s) with Stargardt disease or retinitis pigmentosa (PMID: 16103129, 23755871). In at least one individual the data is consistent with being in trans (on the opposite chromosome) from a pathogenic variant. It has also been observed to segregate with disease in related individuals. ClinVar contains an entry for this variant (Variation ID: 99035). For these reasons, this variant has been classified as Pathogenic.

Dasa
Classification: Pathogenic. Last evaluated: 2024-11-05. Review status: criteria provided, single submitter. Criteria: DASA Assertion Criteria. Collection method: clinical testing. Allele origin: germline. Not counted in ClinVar's aggregate classification.
Comment: NM_000350.3(ABCA4):c.1222C>T (p.Arg408*) introduces a premature termination codon predicted to result in loss of normal protein function. Loss-of-function is an established mechanism of disease for this gene. This variant has been observed in affected individuals with related phenotype in a genotype context consistent with recessive disease (PMID: 16103129; PMID: 23755871; PMID: 23982839). This variant has been recurrently observed in individuals with related phenotype (PMID: 16103129; PMID: 23755871; PMID: 23982839). The variant is present at low frequency in population datasets. Based on the available data, this variant is classified as pathogenic.

Ophthalmic Genetics Group, Institute of Molecular and Clinical Ophthalmology Basel
Classification: Pathogenic for Retinal dystrophy. Last evaluated: 2024-05-27. Review status: criteria provided, single submitter. Criteria: ACMG Guidelines, 2015. Collection method: research. Allele origin: germline. Affected: yes. Observed: 2 variant alleles. Not counted in ClinVar's aggregate classification.
Comment: This variant was classified as Pathogenic based on ACMG criteria: PVS1_very strong, PM2_mod and PM3_very strong

GeneDx
Classification: Pathogenic. Last evaluated: 2024-02-20. Review status: criteria provided, single submitter. Criteria: GeneDx Variant Classification Process June 2021. Collection method: clinical testing. Allele origin: germline. Affected: yes. Not counted in ClinVar's aggregate classification.
Comment: Nonsense variant predicted to result in protein truncation or nonsense mediated decay in a gene for which loss of function is a known mechanism of disease; This variant is associated with the following publications: (PMID: 23953153, 25525159, 28947085, 30771335, 16103129, 23755871, 14709597, 11328725, 23891399, 30060493, 33369172, 33301772, 32619608, 35657619, 28118664, 35119454, 11846518)

Women's Health and Genetics/Laboratory Corporation of America, LabCorp
Classification: Pathogenic for Retinitis pigmentosa. Last evaluated: 2023-10-28. Review status: criteria provided, single submitter. Criteria: LabCorp Variant Classification Summary - May 2015. Collection method: clinical testing. Allele origin: germline. Not counted in ClinVar's aggregate classification.
Comment: Variant summary: ABCA4 c.1222C>T (p.Arg408X) results in a premature termination codon, predicted to cause a truncation of the encoded protein or absence of the protein due to nonsense mediated decay, which are commonly known mechanisms for disease. The variant allele was found at a frequency of 1.6e-05 in 251456 control chromosomes. c.1222C>T has been reported in the literature in multiple individuals affected with Stargardt disease (e.g. Riveiro-Alvarez_2013) or other ABCA4-related retinopathy. These data indicate that the variant is likely to be associated with disease. To our knowledge, no experimental evidence demonstrating an impact on protein function has been reported. The following publication has been ascertained in the context of this evaluation (PMID: 23755871). Seven submitters have cited clinical-significance assessments for this variant to ClinVar after 2014. All submitters classified the variant as pathogenic. Based on the evidence outlined above, the variant was classified as pathogenic.

Blueprint Genetics
Classification: Pathogenic for ABCA4-related disorders. Last evaluated: 2023-09-12. Review status: criteria provided, single submitter. Criteria: ACMG Guidelines, 2015. Collection method: clinical testing. Allele origin: germline. Affected: yes. Observed: 5 variant alleles. Not counted in ClinVar's aggregate classification.